The following is an entry in ClinVar:

ClinVar aggregate classification (germline): Uncertain significance. Review status: criteria provided, multiple submitters, no conflicts (2 of 4 stars). 3 submissions from 3 submitters: Uncertain significance (3). Last evaluated 2022-11-30.

Conditions:
Inborn genetic diseases. Identifiers: MedGen C0950123, MeSH D030342.

gnomAD v4.1: 8 of 1,613,286 alleles (0.0005%); highest among the groups gnomAD compares: Non-Finnish European, 0.00059%; no homozygotes.

Submissions (3):

Ambry Genetics
Classification: Uncertain significance for Inborn genetic diseases. Last evaluated: 2022-11-30. Review status: criteria provided, single submitter. Criteria: Ambry Variant Classification Scheme 2023. Collection method: clinical testing. Allele origin: germline.

Blueprint Genetics
Classification: Uncertain significance. Last evaluated: 2022-09-07. Review status: criteria provided, single submitter. Criteria: ACMG Guidelines, 2015. Collection method: clinical testing. Allele origin: germline.

Labcorp Genetics (formerly Invitae), Labcorp
Classification: Uncertain significance. Last evaluated: 2022-03-11. Review status: criteria provided, single submitter. Criteria: Invitae Variant Classification Sherloc (09022015). Collection method: clinical testing. Allele origin: germline.
Comment: This variant has not been reported in the literature in individuals affected with RBP3-related conditions. This sequence change replaces arginine, which is basic and polar, with cysteine, which is neutral and slightly polar, at codon 443 of the RBP3 protein (p.Arg443Cys). This variant is present in population databases (no rsID available, gnomAD 0.006%). Algorithms developed to predict the effect of missense changes on protein structure and function are either unavailable or do not agree on the potential impact of this missense change (SIFT: "Deleterious"; PolyPhen-2: "Probably Damaging"; Align-GVGD: "Class C0"). In summary, the available evidence is currently insufficient to determine the role of this variant in disease. Therefore, it has been classified as a Variant of Uncertain Significance.

NM_002900.3(RBP3):c.1327C>T (p.Arg443Cys)

Gene: RBP3 (retinol binding protein 3; plus strand). Cytogenetic location: 10q11.22.
Variant type: single nucleotide variant.
Coding change: c.1327C>T on transcript NM_002900.3 (MANE Select); coding-DNA position 1327, C replaced by T.
Protein change: p.Arg443Cys; replaces arginine 443 with cysteine.
Molecular consequence: missense variant.
Genome position (GRCh38, 1-based): chr10:47,349,811, C>T. VCF-style: chr10-47349811-C-T. GRCh37 (hg19) VCF-style: chr10-48389551-G-A.
Other names: c.1327C>T (NM_002900.2); short protein forms R443C.
Identifiers: ClinVar variation 2183704 (VCV002183704.5), dbSNP rs864621999, ClinGen allele CA376669361.